The following is an entry in ClinVar:

ClinVar aggregate classification (germline): Uncertain significance. Review status: criteria provided, multiple submitters, no conflicts (2 of 4 stars). 4 submissions from 4 submitters: Uncertain significance (4). Last evaluated 2026-08-01.

Conditions:
RSRC1-related disorder. Also called: RSRC1-related condition.
Inborn genetic diseases. Identifiers: MedGen C0950123, MeSH D030342.

Allele frequency attached by ClinVar (database versions not stated): gnomAD exomes 0.00004; ExAC 0.00012; gnomAD 0.00015; 1000 Genomes Project 30x 0.00016; TOPMed 0.00018; 1000 Genomes Project 0.00020; ESP Exome Variant Server 0.00031.
gnomAD v4.1: 84 of 1,582,194 alleles (0.0053%); highest among the groups gnomAD compares: Middle Eastern, 0.051%; no homozygotes.

Submissions (4):

CeGaT Center for Human Genetics Tuebingen
Classification: Uncertain significance. Last evaluated: 2026-08-01. Review status: criteria provided, single submitter. Criteria: CeGaT Center For Human Genetics Tuebingen Variant Classification Criteria Version 2. Collection method: clinical testing. Allele origin: germline. Affected: yes. Observed: 1 variant allele.
Comment: RSRC1: PM2

Ambry Genetics
Classification: Uncertain significance for Inborn genetic diseases. Last evaluated: 2026-03-18. Review status: criteria provided, single submitter. Criteria: Ambry Variant Classification Scheme 2023. Collection method: clinical testing. Allele origin: germline.

PreventionGenetics, part of Exact Sciences
Classification: Uncertain significance for RSRC1-related condition. Last evaluated: 2026-03-15. Review status: criteria provided, single submitter. Criteria: ACMG Guidelines, 2015. Collection method: clinical testing. Allele origin: germline.
Comment: The RSRC1 c.172C>T variant is predicted to result in the amino acid substitution p.Arg58Cys. To our knowledge, this variant has not been reported in the literature. This variant is reported in 0.044% of alleles in individuals of African descent in gnomAD. At this time, the clinical significance of this variant is uncertain due to the absence of conclusive functional and genetic evidence.

GeneDx
Classification: Uncertain significance. Last evaluated: 2023-12-06. Review status: criteria provided, single submitter. Criteria: GeneDx Variant Classification Process June 2021. Collection method: clinical testing. Allele origin: germline. Affected: yes.
Comment: In silico analysis supports that this missense variant has a deleterious effect on protein structure/function; Has not been previously published as pathogenic or benign to our knowledge

NM_001271838.2(RSRC1):c.172C>T (p.Arg58Cys)

Gene: RSRC1 (arginine and serine rich coiled-coil 1; plus strand). Cytogenetic location: 3q25.32.
Variant type: single nucleotide variant.
Coding change: c.172C>T on transcript NM_001271838.2 (MANE Select); coding-DNA position 172, C replaced by T.
Protein change: p.Arg58Cys; replaces arginine 58 with cysteine.
Molecular consequence: missense variant.
Genome position (GRCh38, 1-based): chr3:158,122,276, C>T. VCF-style: chr3-158122276-C-T. GRCh37 (hg19) VCF-style: chr3-157840065-C-T.
Other names: c.172C>T, p.Arg58Cys (NM_001271834.2, NM_016625.4); c.172C>T (NM_016625.3); short protein forms R58C.
Identifiers: ClinVar variation 2469801 (VCV002469801.6), dbSNP rs144862315, ClinGen allele CA2681505.